The following is an entry in ClinVar:

ClinVar aggregate classification (germline): Pathogenic. Review status: criteria provided, multiple submitters, no conflicts (2 of 4 stars). 3 submissions from 3 submitters: Pathogenic (3). Last evaluated 2026-01-25.

Conditions:
Cardiovascular phenotype. Identifiers: MedGen CN230736.
Long QT syndrome (LQTS). Identifiers: MedGen C0023976, MeSH D008133, MONDO:0002442. Disease mechanism: loss of function. Inheritance: Various modes of inheritance.
Long QT syndrome 2 (LQT2). Identifiers: Orphanet 101016, Orphanet 768, MedGen C3150943, MONDO:0013367, OMIM 613688.

Submissions (3):

Labcorp Genetics (formerly Invitae), Labcorp
Classification: Pathogenic for Long QT syndrome. Last evaluated: 2026-01-25. Review status: criteria provided, single submitter. Criteria: Invitae Variant Classification Sherloc (09022015). Collection method: clinical testing. Allele origin: germline.
Comment: This sequence change creates a premature translational stop signal (p.Pro902Glnfs*72) in the KCNH2 gene. It is expected to result in an absent or disrupted protein product. Loss-of-function variants in KCNH2 are known to be pathogenic (PMID: 10973849, 19862833). This variant is not present in population databases (gnomAD no frequency). This variant has not been reported in the literature in individuals affected with KCNH2-related conditions. ClinVar contains an entry for this variant (Variation ID: 598783). For these reasons, this variant has been classified as Pathogenic.

Ambry Genetics
Classification: Pathogenic for Cardiovascular phenotype. Last evaluated: 2018-08-27. Review status: criteria provided, single submitter. Criteria: Ambry Variant Classification Scheme 2023. Collection method: clinical testing. Allele origin: germline.
Comment: The c.2705delC variant, located in coding exon 12 of the KCNH2 gene, results from a deletion of one nucleotide at nucleotide position 2705, causing a translational frameshift with a predicted alternate stop codon (p.P902Qfs*72). This alteration has been reported in a long QT syndrome (LQTS) cohort (Tester DJ et al. Heart Rhythm, 2005 May;2:507-17). In addition to the clinical data presented in the literature, this alteration is expected to result in loss of function by premature protein truncation or nonsense-mediated mRNA decay. As such, this alteration is interpreted as a disease-causing mutation.

MVZ Martinsried, Medicover Genetics
Classification: Pathogenic for Long QT syndrome 2. Last evaluated: 2018-08-07. Review status: criteria provided, single submitter. Criteria: ACMG Guidelines, 2015. Collection method: clinical testing. Allele origin: unknown. Affected: yes.

Literature cited by the submitters: PubMed 10973849 (cited by Labcorp Genetics (formerly Invitae), Labcorp); PubMed 19862833 (cited by Labcorp Genetics (formerly Invitae), Labcorp); PubMed 15840476 (cited by Ambry Genetics).

NM_000238.4(KCNH2):c.2705del (p.Pro902fs)

Gene: KCNH2 (potassium voltage-gated channel subfamily H member 2; minus strand). Cytogenetic location: 7q36.1.
Variant type: Deletion.
Coding change: c.2705del on transcript NM_000238.4 (MANE Select); coding-DNA position 2705, one base deleted (C; older notation c.2705delC).
Protein change: p.Pro902fs; shifts the reading frame from proline 902.
Molecular consequence: frameshift variant.
Genome position (GRCh38, 1-based): chr7:150,947,866, G deleted on the plus strand (C on the coding strand, the reverse complement: KCNH2 is on the minus strand); the first of 2 consecutive G bases (chr7:150,947,866-150,947,867); deleting either gives the same sequence. VCF-style (leftmost placement, unchanged base first): chr7-150947865-TG-T. GRCh37 (hg19) VCF-style: chr7-150644953-TG-T.
Other names: c.1685del, p.Pro562fs (NM_172057.3); c.2705delC (NM_000238.3); short protein forms P562fs, P902fs.
Identifiers: ClinVar variation 598783 (VCV000598783.5), dbSNP rs1563148264, ClinGen allele CA658761322.